The following is an entry in ClinVar:

ClinVar aggregate classification (germline): Uncertain significance (1 of 4 stars; one submission).

Conditions:
Primary ciliary dyskinesia. Also called: Ciliary dyskinesia. Identifiers: Orphanet 244, MedGen C0008780, MONDO:0016575, HP:0012265.

Allele frequency attached by ClinVar (database versions not stated): TOPMed 0.00001; gnomAD 0.00001.
gnomAD v4.1: 4 of 1,613,896 alleles (0.00025%); highest among the groups gnomAD compares: African/African-American, 0.0053%; no homozygotes.

Submission:

Labcorp Genetics (formerly Invitae), Labcorp
Classification: Uncertain significance for Primary ciliary dyskinesia. Last evaluated: 2022-04-17. Review status: criteria provided, single submitter. Criteria: Invitae Variant Classification Sherloc (09022015). Collection method: clinical testing. Allele origin: germline.
Comment: In summary, the available evidence is currently insufficient to determine the role of this variant in disease. Therefore, it has been classified as a Variant of Uncertain Significance. Variants that disrupt the consensus splice site are a relatively common cause of aberrant splicing (PMID: 17576681, 9536098). Algorithms developed to predict the effect of sequence changes on RNA splicing suggest that this variant may disrupt the consensus splice site. This variant has not been reported in the literature in individuals affected with CCDC103-related conditions. This variant is not present in population databases (gnomAD no frequency). This sequence change falls in intron 3 of the CCDC103 gene. It does not directly change the encoded amino acid sequence of the CCDC103 protein. It affects a nucleotide within the consensus splice site.

Literature cited by the submitters: PubMed 17576681; PubMed 9536098.

NM_213607.3(DNAAF19):c.276+4G>A

Gene: DNAAF19 (dynein axonemal assembly factor 19; plus strand). Cytogenetic location: 17q21.31.
Variant type: single nucleotide variant.
Coding change: c.276+4G>A on transcript NM_213607.3 (MANE Select); 4 bases into the intron after coding-DNA position 276, G replaced by A.
Molecular consequence: intron variant. On other transcripts: missense variant (2).
Genome position (GRCh38, 1-based): chr17:44,901,656, G>A. VCF-style: chr17-44901656-G-A. GRCh37 (hg19) VCF-style: chr17-42979024-G-A.
Other names: c.280G>A, p.Glu94Lys (NM_001258398.3); c.280G>A, p.Gly94Arg (NM_001258399.2); c.276+4G>A (NM_001258397.3, NM_001258396.2, NM_001258395.2); short protein forms G94R, E94K.
Identifiers: ClinVar variation 2140228 (VCV002140228.3), dbSNP rs373891184, ClinGen allele CA291016186.